The following is an entry in ClinVar:

NM_001797.4(CDH11):c.1895-503C>G

Gene: CDH11 (cadherin 11; minus strand). Cytogenetic location: 16q21.
Variant type: single nucleotide variant.
Coding change: c.1895-503C>G on transcript NM_001797.4 (MANE Select); 503 bases into the intron before coding-DNA position 1895, C replaced by G.
Molecular consequence: intron variant.
Genome position (GRCh38, 1-based): chr16:64,948,602, G>C on the plus strand (C>G on the coding strand, the complement: CDH11 is on the minus strand). VCF-style: chr16-64948602-G-C. GRCh37 (hg19) VCF-style: chr16-64982505-G-C.
Other names: c.1517-503C>G (NM_001330576.2); c.2073+7C>G (NM_001308392.2).
Identifiers: ClinVar variation 3033576 (VCV003033576.2), dbSNP rs571457064, ClinGen allele CA8091926.

ClinVar aggregate classification (germline): Likely benign (0 of 4 stars; one submission).

Conditions:
CDH11-related disorder. Also called: CDH11-related condition.

Allele frequency attached by ClinVar (database versions not stated): gnomAD exomes 0.00006; ExAC 0.00011; 1000 Genomes Project 30x 0.00031; 1000 Genomes Project 0.00040; gnomAD 0.00042; TOPMed 0.00056.
gnomAD v4.1: 144 of 1,607,204 alleles (0.009%); highest among the groups gnomAD compares: African/African-American, 0.18%; 1 homozygote.

Submission:

PreventionGenetics, part of Exact Sciences
Classification: Likely benign for CDH11-related condition. Last evaluated: 2019-06-12. Review status: no assertion criteria provided. Collection method: clinical testing. Allele origin: germline.
Comment: This variant is classified as likely benign based on ACMG/AMP sequence variant interpretation guidelines (Richards et al. 2015 PMID: 25741868, with internal and published modifications).